The following is an entry in ClinVar:

NM_178170.3(NEK8):c.2072C>T (p.Pro691Leu)

Gene: NEK8 (NIMA related kinase 8; plus strand). Cytogenetic location: 17q11.2.
Variant type: single nucleotide variant.
Coding change: c.2072C>T on transcript NM_178170.3 (MANE Select); coding-DNA position 2072, C replaced by T.
Protein change: p.Pro691Leu; replaces proline 691 with leucine.
Molecular consequence: missense variant.
Genome position (GRCh38, 1-based): chr17:28,741,980, C>T. VCF-style: chr17-28741980-C-T. GRCh37 (hg19) VCF-style: chr17-27068998-C-T.
Other names: c.2072C>T (NM_178170.2); short protein forms P691L.
Identifiers: ClinVar variation 1010659 (VCV001010659.7), dbSNP rs373048342, ClinGen allele CA8467659.

ClinVar aggregate classification (germline): Uncertain significance. Review status: criteria provided, multiple submitters, no conflicts (2 of 4 stars). 3 submissions from 3 submitters: Uncertain significance (3). Last evaluated 2025-04-26.

Conditions:
Nephronophthisis 9 (NPHP9). Identifiers: Orphanet 655, MedGen C3151188, MONDO:0013444, OMIM 613824.
Inborn genetic diseases. Identifiers: MedGen C0950123, MeSH D030342.
Renal-hepatic-pancreatic dysplasia 2 (RHPD2). Identifiers: MedGen C3809434, MONDO:0014174, OMIM 615415.

Allele frequency attached by ClinVar (database versions not stated): ExAC 0.00002; ESP Exome Variant Server 0.00008; gnomAD 0.00012 and 0.00013; TOPMed 0.00012.
gnomAD v4.1: 59 of 1,613,980 alleles (0.0037%); highest among the groups gnomAD compares: Middle Eastern, 0.049%; no homozygotes.

Submissions (3):

Labcorp Genetics (formerly Invitae), Labcorp
Classification: Uncertain significance for Nephronophthisis 9. Last evaluated: 2025-04-26. Review status: criteria provided, single submitter. Criteria: Invitae Variant Classification Sherloc (09022015). Collection method: clinical testing. Allele origin: germline.
Comment: This sequence change replaces proline, which is neutral and non-polar, with leucine, which is neutral and non-polar, at codon 691 of the NEK8 protein (p.Pro691Leu). This variant is present in population databases (rs373048342, gnomAD 0.02%). This variant has not been reported in the literature in individuals affected with NEK8-related conditions. ClinVar contains an entry for this variant (Variation ID: 1010659). An algorithm developed to predict the effect of missense changes on protein structure and function (PolyPhen-2) suggests that this variant is likely to be tolerated. In summary, the available evidence is currently insufficient to determine the role of this variant in disease. Therefore, it has been classified as a Variant of Uncertain Significance.

Ambry Genetics
Classification: Uncertain significance for Inborn genetic diseases. Last evaluated: 2022-12-01. Review status: criteria provided, single submitter. Criteria: Ambry Variant Classification Scheme 2023. Collection method: clinical testing. Allele origin: germline.

Fulgent Genetics
Classification: Uncertain significance for Nephronophthisis 9; Renal-hepatic-pancreatic dysplasia 2. Last evaluated: 2022-03-12. Review status: criteria provided, single submitter. Criteria: ACMG Guidelines, 2015. Collection method: clinical testing. Allele origin: unknown.